The following is an entry in ClinVar:

ClinVar aggregate classification (germline): Uncertain significance (1 of 4 stars; one submission).

Submission:

GeneDx
Classification: Uncertain significance. Last evaluated: 2023-12-21. Review status: criteria provided, single submitter. Criteria: GeneDx Variant Classification Process June 2021. Collection method: clinical testing. Allele origin: germline. Affected: yes.
Comment: Not observed at significant frequency in large population cohorts (gnomAD); In silico analysis supports that this missense variant has a deleterious effect on protein structure/function; Has not been previously published as pathogenic or benign to our knowledge

NM_006946.4(SPTBN2):c.5821T>C (p.Ser1941Pro)

Gene: SPTBN2 (spectrin beta, non-erythrocytic 2; minus strand). Cytogenetic location: 11q13.2.
Variant type: single nucleotide variant.
Coding change: c.5821T>C on transcript NM_006946.4 (MANE Select); coding-DNA position 5821, T replaced by C.
Protein change: p.Ser1941Pro; replaces serine 1941 with proline.
Molecular consequence: missense variant.
Genome position (GRCh38, 1-based): chr11:66,689,933, A>G on the plus strand (T>C on the coding strand, the complement: SPTBN2 is on the minus strand). VCF-style: chr11-66689933-A-G. GRCh37 (hg19) VCF-style: chr11-66457404-A-G.
Other names: c.5842T>C, p.Ser1948Pro (NM_001411025.1); short protein forms S1941P, S1948P.
Identifiers: ClinVar variation 3365905 (VCV003365905.1).